The following is an entry in ClinVar:

ClinVar aggregate classification (germline): Uncertain significance. Review status: criteria provided, multiple submitters, no conflicts (2 of 4 stars). 2 submissions from 2 submitters: Uncertain significance (2). Last evaluated 2026-05-30.

Conditions:
Dyskeratosis congenita, autosomal recessive 5 (DKCB5). Identifiers: MedGen C3554656, MONDO:0014076, OMIM 615190.
Pulmonary fibrosis and/or bone marrow failure, Telomere-related, 3. Also called: PULMONARY FIBROSIS AND/OR BONE MARROW FAILURE SYNDROME, TELOMERE-RELATED, 3. Identifiers: Orphanet 2032, MedGen C4225346, MONDO:0014613, OMIM 616373.
Inborn genetic diseases. Identifiers: MedGen C0950123, MeSH D030342.

gnomAD v4.1: 2 of 1,612,624 alleles (0.00012%); highest among the groups gnomAD compares: Non-Finnish European, 0.00017%; no homozygotes.

Submissions (2):

Ambry Genetics
Classification: Uncertain significance for Inborn genetic diseases. Last evaluated: 2026-05-30. Review status: criteria provided, single submitter. Criteria: Ambry Variant Classification Scheme 2023. Collection method: clinical testing. Allele origin: germline.
Comment: The p.G936V variant (also known as c.2807G>T), located in coding exon 28 of the RTEL1 gene, results from a G to T substitution at nucleotide position 2807. The glycine at codon 936 is replaced by valine, an amino acid with dissimilar properties. This amino acid position is conserved. In addition, this alteration is predicted to be tolerated by in silico analysis. Based on the available evidence, the clinical significance of this variant remains unclear.

Labcorp Genetics (formerly Invitae), Labcorp
Classification: Uncertain significance for Dyskeratosis congenita, autosomal recessive 5; Pulmonary fibrosis and/or bone marrow failure, Telomere-related, 3. Last evaluated: 2024-10-10. Review status: criteria provided, single submitter. Criteria: Invitae Variant Classification Sherloc (09022015). Collection method: clinical testing. Allele origin: germline.
Comment: This sequence change replaces glycine, which is neutral and non-polar, with valine, which is neutral and non-polar, at codon 936 of the RTEL1 protein (p.Gly936Val). This variant is present in population databases (rs771615945, gnomAD 0.0009%). This variant has not been reported in the literature in individuals affected with RTEL1-related conditions. An algorithm developed to predict the effect of missense changes on protein structure and function (PolyPhen-2) suggests that this variant is likely to be tolerated. In summary, the available evidence is currently insufficient to determine the role of this variant in disease. Therefore, it has been classified as a Variant of Uncertain Significance.

NM_001283009.2(RTEL1):c.2807G>T (p.Gly936Val)

Genes: RTEL1 (regulator of telomere elongation helicase 1; plus strand), RTEL1-TNFRSF6B (RTEL1-TNFRSF6B readthrough (NMD candidate); plus strand). Cytogenetic location: 20q13.33.
Variant type: single nucleotide variant.
Coding change: c.2807G>T on transcript NM_001283009.2 (MANE Select); coding-DNA position 2807, G replaced by T.
Protein change: p.Gly936Val; replaces glycine 936 with valine.
Molecular consequence: missense variant. On other transcripts: non-coding transcript variant (1).
Genome position (GRCh38, 1-based): chr20:63,692,959, G>T. VCF-style: chr20-63692959-G-T. GRCh37 (hg19) VCF-style: chr20-62324312-G-T.
Other names: c.2138G>T, p.Gly713Val (NM_001283010.1); c.2807G>T, p.Gly936Val (NM_016434.4); c.2879G>T, p.Gly960Val (NM_032957.5); short protein forms G713V, G936V, G960V.
Identifiers: ClinVar variation 3762354 (VCV003762354.3).